The following is an entry in ClinVar:

ClinVar aggregate classification (germline): Conflicting classifications of pathogenicity. Review status: criteria provided, conflicting classifications (1 of 4 stars). 8 submissions from 8 submitters: Uncertain significance (1); Benign (2); Likely benign (4). 1 of the submissions does not count toward it. Last evaluated 2025-11-27.

Conditions:
CHD7-related disorder. Also called: CHD7-related condition.
Inborn genetic diseases. Identifiers: MedGen C0950123, MeSH D030342.
Hypogonadotropic hypogonadism 5 with or without anosmia (KAL5). Also called: HYPOGONADOTROPIC HYPOGONADISM 5 WITH ANOSMIA; HYPOGONADOTROPHIC HYPOGONADISM 5 WITHOUT ANOSMIA; CHD7-Related GnRH Deficiency (Kallmann Syndrome 5). Identifiers: Orphanet 478, MedGen C3552553, MONDO:0012880, OMIM 612370. Disease mechanism: loss of function.
CHARGE syndrome (CHARGE). Also called: Coloboma, heart anomaly, choanal atresia, retardation, genital and ear anomalies; CHARGE association; Hall-Hittner syndrome; CHARGE ASSOCIATION--COLOBOMA, HEART ANOMALY, CHOANAL ATRESIA, RETARDATION, GENITAL AND EAR ANOMALIES; Hittner Hirsch Kreh syndrome. Identifiers: Orphanet 138, MedGen C0265354, MONDO:0008965.

Allele frequency attached by ClinVar (database versions not stated): gnomAD exomes 0.00002 and 0.00005; TOPMed 0.00003; gnomAD 0.00004; ExAC 0.00005.
gnomAD v4.1: 41 of 1,613,888 alleles (0.0025%); highest among the groups gnomAD compares: Middle Eastern, 0.21%; no homozygotes.

Submissions (8):

Labcorp Genetics (formerly Invitae), Labcorp
Classification: Benign for CHARGE syndrome. Last evaluated: 2025-11-27. Review status: criteria provided, single submitter. Criteria: Invitae Variant Classification Sherloc (09022015). Collection method: clinical testing. Allele origin: germline.

Blueprint Genetics
Classification: Likely benign. Last evaluated: 2024-11-23. Review status: criteria provided, single submitter. Criteria: ACMG Guidelines, 2015. Collection method: clinical testing. Allele origin: germline.

CeGaT Center for Human Genetics Tuebingen
Classification: Likely benign. Last evaluated: 2024-01-01. Review status: criteria provided, single submitter. Criteria: CeGaT Center For Human Genetics Tuebingen Variant Classification Criteria Version 2. Collection method: clinical testing. Allele origin: germline. Affected: yes. Observed: 1 variant allele.
Comment: CHD7: BS2

Ambry Genetics
Classification: Likely benign for Inborn genetic diseases. Last evaluated: 2022-06-01. Review status: criteria provided, single submitter. Criteria: Ambry Variant Classification Scheme 2023. Collection method: clinical testing. Allele origin: germline.

GeneDx
Classification: Benign. Last evaluated: 2020-02-28. Review status: criteria provided, single submitter. Criteria: GeneDx Variant Classification Process June 2021. Collection method: clinical testing. Allele origin: germline. Affected: yes.

Illumina Laboratory Services, Illumina
Classification: Uncertain significance for Kallmann Syndrome 5. Last evaluated: 2018-01-13. Review status: criteria provided, single submitter. Criteria: ICSL Variant Classification Criteria 13 December 2019. Collection method: clinical testing. Allele origin: germline.

Genomic Medicine Center of Excellence, King Faisal Specialist Hospital and Research Centre
Classification: Likely benign. Last evaluated: 2016-09-28. Review status: criteria provided, single submitter. Criteria: ACMG Guidelines, 2015. Collection method: research. Allele origin: germline. Affected: yes.

PreventionGenetics, part of Exact Sciences
Classification: Uncertain significance for CHD7-related condition. Last evaluated: 2023-12-31. Review status: no assertion criteria provided. Collection method: clinical testing. Allele origin: germline. Not counted in ClinVar's aggregate classification.
Comment: The CHD7 c.3613A>G variant is predicted to result in the amino acid substitution p.Ile1205Val. This variant was reported with uncertain significance in a study of DNA methylation episignature testing in individuals with Mendelian chromatinopathies (Table S3, Kerkhof et al. 2022. PubMed ID: 34906459). This variant is reported in 0.019% of alleles in individuals of Ashkenazi Jewish descent in gnomAD. At this time, the clinical significance of this variant is uncertain due to the absence of conclusive functional and genetic evidence.

NM_017780.4(CHD7):c.3613A>G (p.Ile1205Val)

Gene: CHD7 (chromodomain helicase DNA binding protein 7; plus strand). Cytogenetic location: 8q12.2.
Variant type: single nucleotide variant.
Coding change: c.3613A>G on transcript NM_017780.4 (MANE Select); coding-DNA position 3613, A replaced by G.
Protein change: p.Ile1205Val; replaces isoleucine 1205 with valine.
Molecular consequence: missense variant. On other transcripts: intron variant (1).
Genome position (GRCh38, 1-based): chr8:60,830,412, A>G. VCF-style: chr8-60830412-A-G. GRCh37 (hg19) VCF-style: chr8-61742971-A-G.
Other names: c.1717-31817A>G (NM_001316690.1); short protein forms I1205V.
Identifiers: ClinVar variation 191225 (VCV000191225.40), dbSNP rs751726519, ClinGen allele CA236298.